The following is an entry in ClinVar:

NM_001303256.3(MORC2):c.11C>T (p.Thr4Ile)

Gene: MORC2 (MORC family CW-type zinc finger 2; minus strand). Cytogenetic location: 22q12.2.
Variant type: single nucleotide variant.
Coding change: c.11C>T on transcript NM_001303256.3 (MANE Select); coding-DNA position 11, C replaced by T.
Protein change: p.Thr4Ile; replaces threonine 4 with isoleucine.
Molecular consequence: missense variant. On other transcripts: 5 prime UTR variant (1).
Genome position (GRCh38, 1-based): chr22:30,967,879, G>A on the plus strand (C>T on the coding strand, the complement: MORC2 is on the minus strand). VCF-style: chr22-30967879-G-A. GRCh37 (hg19) VCF-style: chr22-31363865-G-A.
Other names: c.11C>T, p.Thr4Ile (NM_001303257.2); c.-1042C>T (NM_014941.3); short protein forms T4I.
Identifiers: ClinVar variation 3898770 (VCV003898770.1).

ClinVar aggregate classification (germline): Uncertain significance (1 of 4 stars; one submission).

Submission:

GeneDx
Classification: Uncertain significance. Last evaluated: 2024-11-08. Review status: criteria provided, single submitter. Criteria: GeneDx Variant Classification Process June 2021. Collection method: clinical testing. Allele origin: germline. Affected: yes.
Comment: Not observed at significant frequency in large population cohorts (gnomAD); In silico analysis indicates that this missense variant does not alter protein structure/function; Has not been previously published as pathogenic or benign to our knowledge